The following is an entry in ClinVar:

ClinVar aggregate classification (germline): Benign (1 of 4 stars; one submission).

Conditions:
Inherited prion disease. Identifiers: Orphanet 280400, MedGen C5679775, MONDO:0017234.

Allele frequency attached by ClinVar (database versions not stated): 1000 Genomes Project 30x 0.00156; 1000 Genomes Project 0.00160; TOPMed 0.00195; gnomAD 0.00397 and 0.00416; gnomAD exomes 0.00623.

Submission:

Illumina Laboratory Services, Illumina
Classification: Benign for Genetic prion diseases. Last evaluated: 2018-01-13. Review status: criteria provided, single submitter. Criteria: ICSL Variant Classification Criteria 13 December 2019. Collection method: clinical testing. Allele origin: germline.
Comment: This variant was observed in the ICSL laboratory as part of a predisposition screen in an ostensibly healthy population. It had not been previously curated by ICSL or reported in the Human Gene Mutation Database (HGMD: prior to June 1st, 2018), and was therefore a candidate for classification through an automated scoring system. Utilizing variant allele frequency, disease prevalence and penetrance estimates, and inheritance mode, an automated score was calculated to assess if this variant is too frequent to cause the disease. Based on the score and internal cut-off values, a variant classified as benign is not then subjected to further curation. The score for this variant resulted in a classification of benign for this disease.

NM_000311.5(PRNP):c.*482A>G

Gene: PRNP (prion protein (Kanno blood group); plus strand). Cytogenetic location: 20p13.
Variant type: single nucleotide variant.
Coding change: c.*482A>G on transcript NM_000311.5 (MANE Select); 482 bases downstream of the stop codon, A replaced by G.
Molecular consequence: 3 prime UTR variant.
Genome position (GRCh38, 1-based): chr20:4,700,464, A>G. VCF-style: chr20-4700464-A-G. GRCh37 (hg19) VCF-style: chr20-4681110-A-G.
Other names: c.*482A>G (NM_001080121.3, NM_001080122.3, NM_001080123.3 and 1 more transcripts); c.*933A>G (NM_001271561.3).
Identifiers: ClinVar variation 899237 (VCV000899237.4), dbSNP rs192191752, ClinGen allele CA311093476.